The following is an entry in ClinVar:

NM_001122769.3(LCA5):c.1363C>T (p.Gln455Ter)

Gene: LCA5 (lebercilin LCA5; minus strand). Cytogenetic location: 6q14.1.
Variant type: single nucleotide variant.
Coding change: c.1363C>T on transcript NM_001122769.3 (MANE Select); coding-DNA position 1363, C replaced by T.
Protein change: p.Gln455Ter; replaces glutamine 455 with a stop codon.
Molecular consequence: nonsense.
Genome position (GRCh38, 1-based): chr6:79,487,735, G>A on the plus strand (C>T on the coding strand, the complement: LCA5 is on the minus strand). VCF-style: chr6-79487735-G-A. GRCh37 (hg19) VCF-style: chr6-80197452-G-A.
Other names: c.1363C>T, p.Gln455Ter (NM_181714.4); short protein forms Q455*.
Identifiers: ClinVar variation 2125423 (VCV002125423.4), dbSNP rs2533370453, ClinGen allele CA364641063.

ClinVar aggregate classification (germline): Pathogenic (1 of 4 stars; one submission).

Submission:

Labcorp Genetics (formerly Invitae), Labcorp
Classification: Pathogenic. Last evaluated: 2022-05-09. Review status: criteria provided, single submitter. Criteria: Invitae Variant Classification Sherloc (09022015). Collection method: clinical testing. Allele origin: germline.
Comment: For these reasons, this variant has been classified as Pathogenic. This variant disrupts a region of the LCA5 protein in which other variant(s) (p.Lys586*) have been determined to be pathogenic (PMID: 23946133, 27624628). This suggests that this is a clinically significant region of the protein, and that variants that disrupt it are likely to be disease-causing. This variant has not been reported in the literature in individuals affected with LCA5-related conditions. This variant is not present in population databases (gnomAD no frequency). This sequence change creates a premature translational stop signal (p.Gln455*) in the LCA5 gene. While this is not anticipated to result in nonsense mediated decay, it is expected to disrupt the last 243 amino acid(s) of the LCA5 protein.

Literature cited by the submitters: PubMed 23946133; PubMed 27624628.